The following is an entry in ClinVar:

ClinVar aggregate classification (germline): Benign (1 of 4 stars; one submission).

Allele frequency attached by ClinVar (database versions not stated): gnomAD 0.38356 and 0.39245; TOPMed 0.38588; 1000 Genomes Project 30x 0.46034; 1000 Genomes Project 0.46486.
gnomAD v4.1: 59,574 of 151,984 alleles (39%); highest among the groups gnomAD compares: East Asian, 76%; 12,154 homozygotes.

Submission:

GeneDx
Classification: Benign. Last evaluated: 2018-06-14. Review status: criteria provided, single submitter. Criteria: GeneDx Variant Classification (06012015). Collection method: clinical testing. Allele origin: germline. Affected: yes.
Comment: This variant is considered likely benign or benign based on one or more of the following criteria: it is a conservative change, it occurs at a poorly conserved position in the protein, it is predicted to be benign by multiple in silico algorithms, and/or has population frequency not consistent with disease.

NM_182961.4(SYNE1):c.7238-328T>C

Gene: SYNE1 (spectrin repeat containing nuclear envelope protein 1; minus strand). Cytogenetic location: 6q25.2.
Variant type: single nucleotide variant.
Coding change: c.7238-328T>C on transcript NM_182961.4 (MANE Select); 328 bases into the intron before coding-DNA position 7238, T replaced by C.
Molecular consequence: intron variant.
Genome position (GRCh38, 1-based): chr6:152,399,059, A>G on the plus strand (T>C on the coding strand, the complement: SYNE1 is on the minus strand). VCF-style: chr6-152399059-A-G. GRCh37 (hg19) VCF-style: chr6-152720194-A-G.
Other names: c.7259-328T>C (NM_033071.5).
Identifiers: ClinVar variation 683926 (VCV000683926.1), dbSNP rs492904, ClinGen allele CA15473017.